The following is an entry in ClinVar:

ClinVar aggregate classification (germline): Uncertain significance. Review status: reviewed by expert panel (3 of 4 stars). 3 submissions from 3 submitters: Uncertain significance (1). 2 of the submissions do not count toward it. Last evaluated 2023-11-13.

Conditions:
Mitochondrial disease. Also called: Mitochondrial disorder; Mitochondrial disorders. Identifiers: Orphanet 68380, MedGen C0751651, MeSH D028361, MONDO:0044970.
Leber optic atrophy (LHON). Also called: Optic Atrophy, Hereditary, Leber; Leber hereditary optic neuropathy; Leber's disease; Leber's optic atrophy. Identifiers: Orphanet 104, MedGen C0917796, MONDO:0010788, OMIM 535000, HP:0001112.

Submissions (3):

ClinGen Mitochondrial Disease Nuclear and Mitochondrial  Variant Curation Expert Panel, ClinGen
Classification: Uncertain significance for Mitochondrial disease. Last evaluated: 2023-11-13. Review status: reviewed by expert panel. Criteria: McCormick et al. (Hum Mutat. 2020). Collection method: curation. Allele origin: germline. Inheritance: Mitochondrial inheritance.
Comment: The variant was present at 80% heteroplasmy in blood. The computational predictor APOGEE gives a consensus rating of pathogenic with a score of 0.83, which predicts a damaging effect on gene function (PP3). This variant is absent in the GenBank dataset, Helix dataset, and gnomAD v3.1.2 (PM2_supporting). There are no cybrids, single fiber studies, or other functional assays reported on this variant. In summary, this variant meets criteria to be classified as uncertain significance for primary mitochondrial disease inherited in a mitochondrial manner. This classification was approved by the NICHD/NINDS U24 ClinGen Mitochondrial Disease Variant Curation Expert Panel on November 13, 2023. Mitochondrial DNA-specific ACMG/AMP criteria applied (PMID: 32906214): PM2_supporting, PP3.

OMIM
Classification: Pathogenic for LEBER OPTIC ATROPHY. Last evaluated: 1993-10-01. Review status: no assertion criteria provided. Collection method: literature only. Allele origin: germline. Not counted in ClinVar's aggregate classification.

GeneReviews
No classification provided. Condition: Leber optic atrophy. Review status: no classification provided. Collection method: literature only. Allele origin: maternal. Not counted in ClinVar's aggregate classification.

Literature cited by the submitters: PubMed 8213825 (cited by OMIM); PubMed 30143805 (cited by GeneReviews); PubMed 20301353 (cited by GeneReviews).

NC_012920.1(MT-ND5):m.13730G>A

Gene: MT-ND5 (mitochondrially encoded NADH dehydrogenase 5; plus strand).
Variant type: single nucleotide variant.
Genome position: chrM-13730-G-A.
Identifiers: ClinVar variation 9697 (VCV000009697.4), dbSNP rs387906425, ClinGen allele CA340936.